The following is an entry in ClinVar:

ClinVar aggregate classification (germline): Uncertain significance (1 of 4 stars; one submission).

Allele frequency attached by ClinVar (database versions not stated): gnomAD exomes below 0.00001 and 0.00001; ExAC 0.00001; gnomAD 0.00003; TOPMed 0.00003.
gnomAD v4.1: 18 of 1,611,936 alleles (0.0011%); highest among the groups gnomAD compares: Non-Finnish European, 0.0014%; no homozygotes.

Submission:

Labcorp Genetics (formerly Invitae), Labcorp
Classification: Uncertain significance. Last evaluated: 2021-10-13. Review status: criteria provided, single submitter. Criteria: Invitae Variant Classification Sherloc (09022015). Collection method: clinical testing. Allele origin: germline.
Comment: In summary, the available evidence is currently insufficient to determine the role of this variant in disease. Therefore, it has been classified as a Variant of Uncertain Significance. Algorithms developed to predict the effect of missense changes on protein structure and function are either unavailable or do not agree on the potential impact of this missense change (SIFT: "Deleterious"; PolyPhen-2: "Probably Damaging"; Align-GVGD: "Class C0"). This variant has not been reported in the literature in individuals affected with SBF1-related conditions. This variant is present in population databases (rs750756200, ExAC 0.007%). This sequence change replaces arginine with histidine at codon 30 of the SBF1 protein (p.Arg30His). The arginine residue is highly conserved and there is a small physicochemical difference between arginine and histidine.

NM_002972.4(SBF1):c.89G>A (p.Arg30His)

Gene: SBF1 (SET binding factor 1; minus strand). Cytogenetic location: 22q13.33.
Variant type: single nucleotide variant.
Coding change: c.89G>A on transcript NM_002972.4 (MANE Select); coding-DNA position 89, G replaced by A.
Protein change: p.Arg30His; replaces arginine 30 with histidine.
Molecular consequence: missense variant.
Genome position (GRCh38, 1-based): chr22:50,468,428, C>T on the plus strand (G>A on the coding strand, the complement: SBF1 is on the minus strand). VCF-style: chr22-50468428-C-T. GRCh37 (hg19) VCF-style: chr22-50906857-C-T.
Other names: c.89G>A, p.Arg30His (NM_001365819.1); short protein forms R30H.
Identifiers: ClinVar variation 1514779 (VCV001514779.6), dbSNP rs750756200, ClinGen allele CA10318238.